The following is an entry in ClinVar:

NM_144508.5(KNL1):c.853C>G (p.Gln285Glu)

Gene: KNL1 (kinetochore scaffold 1; plus strand). Cytogenetic location: 15q15.1.
Variant type: single nucleotide variant.
Coding change: c.853C>G on transcript NM_144508.5 (MANE Select); coding-DNA position 853, C replaced by G.
Protein change: p.Gln285Glu; replaces glutamine 285 with glutamic acid.
Molecular consequence: missense variant.
Genome position (GRCh38, 1-based): chr15:40,621,117, C>G. VCF-style: chr15-40621117-C-G. GRCh37 (hg19) VCF-style: chr15-40913315-C-G.
Other names: c.931C>G, p.Gln311Glu (NM_170589.5); short protein forms Q285E, Q311E.
Identifiers: ClinVar variation 2430455 (VCV002430455.1), dbSNP rs2543180914, ClinGen allele CA391728332.

ClinVar aggregate classification (germline): Uncertain significance (1 of 4 stars; one submission).

Allele frequency attached by ClinVar (database versions not stated): gnomAD exomes 0.00003.
gnomAD v4.1: 22 of 1,613,682 alleles (0.0014%); highest among the groups gnomAD compares: Non-Finnish European, 0.0019%; no homozygotes.

Submission:

GeneDx
Classification: Uncertain significance. Last evaluated: 2022-08-22. Review status: criteria provided, single submitter. Criteria: GeneDx Variant Classification Process June 2021. Collection method: clinical testing. Allele origin: germline. Affected: yes.
Comment: Not observed at significant frequency in large population cohorts (gnomAD); In silico analysis supports that this missense variant does not alter protein structure/function; Has not been previously published as pathogenic or benign to our knowledge